The following is an entry in ClinVar:

NM_001243925.2(MAPKAPK3):c.517C>T (p.Leu173Phe)

Gene: MAPKAPK3 (MAPK activated protein kinase 3; plus strand). Cytogenetic location: 3p21.2.
Variant type: single nucleotide variant.
Coding change: c.517C>T on transcript NM_001243925.2 (MANE Select); coding-DNA position 517, C replaced by T.
Protein change: p.Leu173Phe; replaces leucine 173 with phenylalanine.
Molecular consequence: missense variant.
Genome position (GRCh38, 1-based): chr3:50,644,421, C>T. VCF-style: chr3-50644421-C-T. GRCh37 (hg19) VCF-style: chr3-50681852-C-T.
Other names: c.517C>T, p.Leu173Phe (NM_001243926.2, NM_004635.5); short protein forms L173F.
Identifiers: ClinVar variation 1507086 (VCV001507086.6), dbSNP rs773801086, ClinGen allele CA2420297.

ClinVar aggregate classification (germline): Uncertain significance (1 of 4 stars; one submission).

Allele frequency attached by ClinVar (database versions not stated): ExAC 0.00002; gnomAD exomes 0.00002 and 0.00004; gnomAD 0.00003; TOPMed 0.00003.
gnomAD v4.1: 68 of 1,614,094 alleles (0.0042%); highest among the groups gnomAD compares: Non-Finnish European, 0.0056%; no homozygotes.

Submission:

Labcorp Genetics (formerly Invitae), Labcorp
Classification: Uncertain significance. Last evaluated: 2023-03-21. Review status: criteria provided, single submitter. Criteria: Invitae Variant Classification Sherloc (09022015). Collection method: clinical testing. Allele origin: germline.
Comment: This variant has not been reported in the literature in individuals affected with MAPKAPK3-related conditions. This sequence change replaces leucine, which is neutral and non-polar, with phenylalanine, which is neutral and non-polar, at codon 173 of the MAPKAPK3 protein (p.Leu173Phe). This variant is present in population databases (rs773801086, gnomAD 0.005%). ClinVar contains an entry for this variant (Variation ID: 1507086). An algorithm developed to predict the effect of missense changes on protein structure and function (PolyPhen-2) suggests that this variant is likely to be disruptive. In summary, the available evidence is currently insufficient to determine the role of this variant in disease. Therefore, it has been classified as a Variant of Uncertain Significance.